The following is an entry in ClinVar:

NM_003054.6(SLC18A2):c.884T>G (p.Leu295Arg)

Gene: SLC18A2 (solute carrier family 18 member A2; plus strand). Cytogenetic location: 10q25.3.
Variant type: single nucleotide variant.
Coding change: c.884T>G on transcript NM_003054.6 (MANE Select); coding-DNA position 884, T replaced by G.
Protein change: p.Leu295Arg; replaces leucine 295 with arginine.
Molecular consequence: missense variant.
Genome position (GRCh38, 1-based): chr10:117,255,646, T>G. VCF-style: chr10-117255646-T-G. GRCh37 (hg19) VCF-style: chr10-119015157-T-G.
Other names: short protein forms L295R.
Identifiers: ClinVar variation 1394062 (VCV001394062.6), dbSNP rs766971186, ClinGen allele CA5710482.

ClinVar aggregate classification (germline): Uncertain significance (1 of 4 stars; one submission).

Allele frequency attached by ClinVar (database versions not stated): gnomAD exomes below 0.00001 and 0.00001; TOPMed below 0.00001; ExAC 0.00001.
gnomAD v4.1: 10 of 1,613,494 alleles (0.00062%); highest among the groups gnomAD compares: Non-Finnish European, 0.00085%; no homozygotes.

Submission:

Labcorp Genetics (formerly Invitae), Labcorp
Classification: Uncertain significance. Last evaluated: 2021-11-19. Review status: criteria provided, single submitter. Criteria: Invitae Variant Classification Sherloc (09022015). Collection method: clinical testing. Allele origin: germline.
Comment: This variant has not been reported in the literature in individuals affected with SLC18A2-related conditions. This variant is present in population databases (rs766971186, gnomAD 0.002%). This sequence change replaces leucine, which is neutral and non-polar, with arginine, which is basic and polar, at codon 295 of the SLC18A2 protein (p.Leu295Arg). Algorithms developed to predict the effect of missense changes on protein structure and function (SIFT, PolyPhen-2, Align-GVGD) all suggest that this variant is likely to be disruptive. In summary, the available evidence is currently insufficient to determine the role of this variant in disease. Therefore, it has been classified as a Variant of Uncertain Significance.